The following is an entry in ClinVar:

ClinVar aggregate classification (germline): Uncertain significance (1 of 4 stars; one submission).

Conditions:
Glycogen storage disease due to muscle and heart glycogen synthase deficiency. Also called: GSD 0b; MUSCLE GLYCOGEN SYNTHASE DEFICIENCY. Identifiers: Orphanet 137625, MedGen C1969054, MONDO:0012693, OMIM 611556.

Allele frequency attached by ClinVar (database versions not stated): gnomAD 0.00001; gnomAD exomes 0.00001 and 0.00005; TOPMed 0.00001.
gnomAD v4.1: 76 of 1,544,958 alleles (0.0049%); highest among the groups gnomAD compares: Non-Finnish European, 0.0062%; no homozygotes.

Submission:

Labcorp Genetics (formerly Invitae), Labcorp
Classification: Uncertain significance for Glycogen storage disease due to muscle and heart glycogen synthase deficiency. Last evaluated: 2022-06-20. Review status: criteria provided, single submitter. Criteria: Invitae Variant Classification Sherloc (09022015). Collection method: clinical testing. Allele origin: germline.
Comment: This sequence change replaces glutamic acid, which is acidic and polar, with lysine, which is basic and polar, at codon 673 of the GYS1 protein (p.Glu673Lys). The frequency data for this variant in the population databases is considered unreliable, as metrics indicate poor data quality at this position in the gnomAD database. This variant has not been reported in the literature in individuals affected with GYS1-related conditions. ClinVar contains an entry for this variant (Variation ID: 957665). Algorithms developed to predict the effect of missense changes on protein structure and function are either unavailable or do not agree on the potential impact of this missense change (SIFT: "Deleterious"; PolyPhen-2: "Probably Damaging"; Align-GVGD: "Class C0"). In summary, the available evidence is currently insufficient to determine the role of this variant in disease. Therefore, it has been classified as a Variant of Uncertain Significance.

NM_002103.5(GYS1):c.2017G>A (p.Glu673Lys)

Gene: GYS1 (glycogen synthase 1; minus strand). Cytogenetic location: 19q13.33.
Variant type: single nucleotide variant.
Coding change: c.2017G>A on transcript NM_002103.5 (MANE Select); coding-DNA position 2017, G replaced by A.
Protein change: p.Glu673Lys; replaces glutamic acid 673 with lysine.
Molecular consequence: missense variant. On other transcripts: non-coding transcript variant (1).
Genome position (GRCh38, 1-based): chr19:48,969,485, C>T on the plus strand (G>A on the coding strand, the complement: GYS1 is on the minus strand). VCF-style: chr19-48969485-C-T. GRCh37 (hg19) VCF-style: chr19-49472742-C-T.
Other names: c.1825G>A, p.Glu609Lys (NM_001161587.2); short protein forms E609K, E673K.
Identifiers: ClinVar variation 957665 (VCV000957665.7), dbSNP rs1024472621, ClinGen allele CA309382043.